The following is an entry in ClinVar:

ClinVar aggregate classification (germline): Likely benign (0 of 4 stars; one submission).

Conditions:
LARGE1-related disorder. Also called: LARGE1-related condition.

Submission:

PreventionGenetics, part of Exact Sciences
Classification: Likely benign for LARGE1-related condition. Last evaluated: 2024-02-02. Review status: no assertion criteria provided. Collection method: clinical testing. Allele origin: germline.
Comment: This variant is classified as likely benign based on ACMG/AMP sequence variant interpretation guidelines (Richards et al. 2015 PMID: 25741868, with internal and published modifications).

NM_133642.5(LARGE1):c.893-10_893-7del

Gene: LARGE1 (LARGE xylosyl- and glucuronyltransferase 1; minus strand). Cytogenetic location: 22q12.3.
Variant type: Deletion.
Coding change: c.893-10_893-7del on transcript NM_133642.5 (MANE Select); 10 bases into the intron before coding-DNA position 893 through 7 bases into the intron before coding-DNA position 893, 4 bases deleted (TGTT; older notation c.893-10_893-7delTGTT).
Molecular consequence: intron variant.
Genome position (GRCh38, 1-based): chr22:33,384,311-33,384,314, AACA deleted on the plus strand (TGTT on the coding strand, the reverse complement: LARGE1 is on the minus strand). VCF-style (leftmost placement, unchanged base first): chr22-33384310-CAACA-C. GRCh37 (hg19) VCF-style: chr22-33780296-CAACA-C.
Other names: c.893-10_893-7del (NM_001362953.2, NM_001362949.2, NM_001378627.1 and 7 more transcripts); c.290-10_290-7del (NM_001378631.1, NM_001378630.1).
Identifiers: ClinVar variation 3032085 (VCV003032085.2), dbSNP rs2546923088, ClinGen allele CA2656331514.
Genomic context (GRCh38, chr22:33,384,310, plus strand): 5'-CACATCTGCTCCCATTTCATCTTCCGCAGCTTATCCAGAAGTAACAGGATCACCCCTGGG[CAACA>C]GCACAGGATAAAAGAGAAAATTAAAAAATAAAAAAGATGGAGAGCTAGGCACACCTACTC-3'